The following is an entry in ClinVar:

ClinVar aggregate classification (germline): Uncertain significance (1 of 4 stars; one submission).

gnomAD v4.1: 1 of 1,209,222 alleles (0.000083%); highest among the groups gnomAD compares: Non-Finnish European, 0.00011%; no homozygotes.

Submission:

GeneDx
Classification: Uncertain significance. Last evaluated: 2025-08-14. Review status: criteria provided, single submitter. Criteria: GeneDx Variant Classification Process June 2021. Collection method: clinical testing. Allele origin: germline. Affected: yes.
Comment: Not observed at significant frequency in large population cohorts (gnomAD); In silico analysis suggests that this missense variant does not alter protein structure/function; Has not been previously published as pathogenic or benign to our knowledge

NM_031407.7(HUWE1):c.5838C>G (p.Ile1946Met)

Gene: HUWE1 (HECT, UBA and WWE domain containing E3 ubiquitin protein ligase 1; minus strand). Cytogenetic location: Xp11.22.
Variant type: single nucleotide variant.
Coding change: c.5838C>G on transcript NM_031407.7 (MANE Select); coding-DNA position 5838, C replaced by G.
Protein change: p.Ile1946Met; replaces isoleucine 1946 with methionine.
Molecular consequence: missense variant.
Genome position (GRCh38, 1-based): chrX:53,576,946, G>C on the plus strand (C>G on the coding strand, the complement: HUWE1 is on the minus strand). VCF-style: chrX-53576946-G-C. GRCh37 (hg19) VCF-style: chrX-53603906-G-C.
Other names: c.5838C>G, p.Ile1946Met (NM_001441048.1, NM_001441049.1, NM_001441051.1 and 6 more transcripts); c.5859C>G, p.Ile1953Met (NM_001441050.1, NM_001441055.1); short protein forms I1953M, I1946M.
Identifiers: ClinVar variation 4795541 (VCV004795541.1).